The following is an entry in ClinVar:

NM_005257.6(GATA6):c.397G>A (p.Gly133Ser)

Gene: GATA6 (GATA binding protein 6; plus strand). Cytogenetic location: 18q11.2.
Variant type: single nucleotide variant.
Coding change: c.397G>A on transcript NM_005257.6 (MANE Select); coding-DNA position 397, G replaced by A.
Protein change: p.Gly133Ser; replaces glycine 133 with serine.
Molecular consequence: missense variant.
Genome position (GRCh38, 1-based): chr18:22,171,541, G>A. VCF-style: chr18-22171541-G-A. GRCh37 (hg19) VCF-style: chr18-19751502-G-A.
Other names: short protein forms G133S.
Identifiers: ClinVar variation 4536559 (VCV004536559.2).
Genomic context (GRCh38, chr18:22,171,541, plus strand): 5'-CTGCTGTTCACTGACCTCGACCAAGCCGCGACCGCCAGCAAGCTGCTGTGGTCCAGCCGC[G>A]GCGCCAAGCTGAGCCCCTTCGCACCCGAGCAGCCGGAGGAGATGTACCAGACCCTCGCCG-3'
Protein context (NP_005248.2, residues 123-143): TASKLLWSSR[Gly133Ser]AKLSPFAPEQ

ClinVar aggregate classification (germline): Uncertain significance. Review status: criteria provided, multiple submitters, no conflicts (2 of 4 stars). 2 submissions from 2 submitters: Uncertain significance (2). Last evaluated 2025-06-04.

Conditions:
Atrioventricular septal defect 5 (AVSD5). Identifiers: MedGen C3280939, MONDO:0013769, OMIM 614474.

gnomAD v4.1: 1 of 1,604,100 alleles (0.000062%); highest among the groups gnomAD compares: Non-Finnish European, 0.000085%; no homozygotes.

Submissions (2):

GeneDx
Classification: Uncertain significance. Last evaluated: 2025-06-04. Review status: criteria provided, single submitter. Criteria: GeneDx Variant Classification Process June 2021. Collection method: clinical testing. Allele origin: germline. Affected: yes.
Comment: Not observed at significant frequency in large population cohorts (gnomAD); In silico analysis suggests that this missense variant does not alter protein structure/function; Has not been previously published as pathogenic or benign to our knowledge

Labcorp Genetics (formerly Invitae), Labcorp
Classification: Uncertain significance for Atrioventricular septal defect 5. Last evaluated: 2025-04-08. Review status: criteria provided, single submitter. Criteria: Invitae Variant Classification Sherloc (09022015). Collection method: clinical testing. Allele origin: germline.
Comment: This sequence change replaces glycine, which is neutral and non-polar, with serine, which is neutral and polar, at codon 133 of the GATA6 protein (p.Gly133Ser). This variant is not present in population databases (gnomAD no frequency). This variant has not been reported in the literature in individuals affected with GATA6-related conditions. Invitae Evidence Modeling of protein sequence and biophysical properties (such as structural, functional, and spatial information, amino acid conservation, physicochemical variation, residue mobility, and thermodynamic stability) indicates that this missense variant is not expected to disrupt GATA6 protein function with a negative predictive value of 80%. In summary, the available evidence is currently insufficient to determine the role of this variant in disease. Therefore, it has been classified as a Variant of Uncertain Significance.